The following is an entry in ClinVar:

NM_000069.3(CACNA1S):c.3545G>A (p.Trp1182Ter)

Gene: CACNA1S (calcium voltage-gated channel subunit alpha1 S; minus strand). Cytogenetic location: 1q32.1.
Variant type: single nucleotide variant.
Coding change: c.3545G>A on transcript NM_000069.3 (MANE Select); coding-DNA position 3545, G replaced by A.
Protein change: p.Trp1182Ter; replaces tryptophan 1182 with a stop codon.
Molecular consequence: nonsense.
Genome position (GRCh38, 1-based): chr1:201,058,472, C>T on the plus strand (G>A on the coding strand, the complement: CACNA1S is on the minus strand). VCF-style: chr1-201058472-C-T. GRCh37 (hg19) VCF-style: chr1-201027600-C-T.
Other names: short protein forms W1182*.
Identifiers: ClinVar variation 3071390 (VCV003071390.1), dbSNP rs2464486405, ClinGen allele CA344157719.

ClinVar aggregate classification (germline): Uncertain significance (1 of 4 stars; one submission).

Conditions:
Malignant hyperthermia, susceptibility to, 5 (MHS5). Also called: CACNA1S-Related Malignant Hyperthermia Susceptibility. Identifiers: Orphanet 423, MedGen C1866077, MONDO:0011163, OMIM 601887.

Submission:

All of Us Research Program, National Institutes of Health
Classification: Uncertain significance for Malignant hyperthermia, susceptibility to, 5. Last evaluated: 2023-05-31. Review status: criteria provided, single submitter. Criteria: ACMG Guidelines, 2015. Collection method: clinical testing. Allele origin: germline. Inheritance: Autosomal dominant inheritance. Observed: 1 variant allele, 1 heterozygote.
Comment: This study involves interpretation of variants in research participants for the purpose of population health screening. Participant phenotype was not available at the time of variant classification. Additional details can be found in publication PMID: 35346344, PMCID: PMC8962531